The following is an entry in ClinVar:

ClinVar aggregate classification (germline): Benign. Review status: criteria provided, multiple submitters, no conflicts (2 of 4 stars). 4 submissions from 4 submitters: Benign (4). Last evaluated 2026-02-01.

Conditions:
Polydactyly of a triphalangeal thumb. Also called: Polydactyly, preaxial type II; POLYDACTYLY OF TRIPHALANGEAL THUMB; TRIPHALANGEAL THUMB-POLYDACTYLY SYNDROME. Identifiers: Orphanet 2439, Orphanet 2950, Orphanet 93336, MedGen C1868114, MONDO:0008270, OMIM 174500.

Allele frequency attached by ClinVar (database versions not stated): gnomAD exomes 0.09779; ESP Exome Variant Server 0.09903; ExAC 0.10166; gnomAD 0.10405 and 0.10479; TOPMed 0.10907; 1000 Genomes Project 30x 0.13460; 1000 Genomes Project 0.13498.
gnomAD v4.1: 134,953 of 1,597,898 alleles (8.4%); highest among the groups gnomAD compares: East Asian, 16%; 6,335 homozygotes.

Submissions (4):

Labcorp Genetics (formerly Invitae), Labcorp
Classification: Benign. Last evaluated: 2026-02-01. Review status: criteria provided, single submitter. Criteria: Invitae Variant Classification Sherloc (09022015). Collection method: clinical testing. Allele origin: germline.

GeneDx
Classification: Benign. Last evaluated: 2018-07-09. Review status: criteria provided, single submitter. Criteria: GeneDx Variant Classification Process June 2021. Collection method: clinical testing. Allele origin: germline. Affected: yes.

Illumina Laboratory Services, Illumina
Classification: Benign for Polydactyly of a triphalangeal thumb. Last evaluated: 2018-01-13. Review status: criteria provided, single submitter. Criteria: ICSL Variant Classification Criteria 13 December 2019. Collection method: clinical testing. Allele origin: germline.
Comment: This variant was observed in the ICSL laboratory as part of a predisposition screen in an ostensibly healthy population. It had not been previously curated by ICSL or reported in the Human Gene Mutation Database (HGMD: prior to June 1st, 2018), and was therefore a candidate for classification through an automated scoring system. Utilizing variant allele frequency, disease prevalence and penetrance estimates, and inheritance mode, an automated score was calculated to assess if this variant is too frequent to cause the disease. Based on the score and internal cut-off values, a variant classified as benign is not then subjected to further curation. The score for this variant resulted in a classification of benign for this disease.

Breakthrough Genomics
Classification: Benign. Review status: criteria provided, single submitter. Criteria: ACMG Guidelines, 2015. Collection method: not provided. Allele origin: germline. Inheritance: Autosomal recessive inheritance. Affected: yes.

NM_022458.4(LMBR1):c.1092C>T (p.Val364=)

Gene: LMBR1 (limb development membrane protein 1; minus strand). Cytogenetic location: 7q36.3.
Variant type: single nucleotide variant.
Coding change: c.1092C>T on transcript NM_022458.4 (MANE Select); coding-DNA position 1092, C replaced by T.
Protein change: p.Val364=; no amino-acid change (valine 364 retained).
Molecular consequence: synonymous variant. On other transcripts: non-coding transcript variant (2).
Genome position (GRCh38, 1-based): chr7:156,725,501, G>A on the plus strand (C>T on the coding strand, the complement: LMBR1 is on the minus strand). VCF-style: chr7-156725501-G-A. GRCh37 (hg19) VCF-style: chr7-156518195-G-A.
Other names: c.1215C>T, p.Val405= (NM_001350953.2, NM_001363409.2); c.813C>T, p.Val271= (NM_001350954.2); c.636C>T, p.Val212= (NM_001350955.2, NM_001350956.2, NM_001350958.2 and 1 more transcripts); c.723C>T, p.Val241= (NM_001350957.2, NM_001363411.2); c.1092C>T, p.Val364= (NM_001363410.2); c.1029C>T, p.Val343= (NM_001363412.2).
Identifiers: ClinVar variation 359424 (VCV000359424.14), dbSNP rs59912051, ClinGen allele CA4587842.
Genomic context (GRCh38, chr7:156,725,501, plus strand): 5'-CATAGTTGTGTCATCTTTCTTGGGAGTAAAGTTTCCAAAAAATCGAAGGCTATAGAAGCC[G>A]ACAACAGAGGACACCATAAGATAGCTGTGAGAATCAAGGAAAAAAACTCTCCAACAGAAT-3'
Protein context (NP_071903.2, residues 354-374): LIFYLMVSSV[Val364=]GFYSLRFFGN